The following is an entry in ClinVar:

NM_001034853.2(RPGR):c.1245_1245+6dup

Gene: RPGR (retinitis pigmentosa GTPase regulator; minus strand). Cytogenetic location: Xp11.4.
Variant type: Duplication.
Coding change: c.1245_1245+6dup on transcript NM_001034853.2 (MANE Select); coding-DNA position 1245 through 6 bases into the intron after coding-DNA position 1245, 7 bases duplicated (GGTACAA; older notation c.1245_1245+6dupGGTACAA).
Molecular consequence: splice donor variant. On other transcripts: intron variant (2).
Genome position (GRCh38, 1-based): chrX:38,298,950-38,298,956, TTGTACC duplicated on the plus strand (GGTACAA on the coding strand, the reverse complement: RPGR is on the minus strand). VCF-style (leftmost placement, unchanged base first): chrX-38298949-A-ATTGTACC. GRCh37 (hg19) VCF-style: chrX-38158202-A-ATTGTACC.
Other names: c.1242_1242+6dup (NM_001367249.1, NM_001367250.1, NM_001367245.1); c.1060-1504_1060-1498dup (NM_001367251.1, NM_001367246.1); c.1245_1245+6dup (NM_001367247.1, NM_000328.3); c.1275_1275+6dup (NM_001367248.1).
Identifiers: ClinVar variation 3656495 (VCV003656495.2).
Genomic context (GRCh38, chrX:38,298,949, plus strand): 5'-TTTTTTTCTTCTAGTTTTCTTTGCAGTGCTAGATAATACTATTATACAGAATAGGCCACA[A>ATTGTACC]TTGTACCCTCTCTCTTCGCCGCATACGTGCTGATAGAGTCCTCTGCAGTACATTTCCTGA-3'

ClinVar aggregate classification (germline): Uncertain significance (1 of 4 stars; one submission).

Conditions:
Primary ciliary dyskinesia. Also called: Ciliary dyskinesia. Identifiers: Orphanet 244, MedGen C0008780, MONDO:0016575, HP:0012265.

Submission:

Labcorp Genetics (formerly Invitae), Labcorp
Classification: Uncertain significance for Primary ciliary dyskinesia. Last evaluated: 2024-11-05. Review status: criteria provided, single submitter. Criteria: Invitae Variant Classification Sherloc (09022015). Collection method: clinical testing. Allele origin: germline.
Comment: This sequence change falls in intron 10 of the RPGR gene. It does not directly change the encoded amino acid sequence of the RPGR protein. This variant is not present in population databases (gnomAD no frequency). This variant has not been reported in the literature in individuals affected with RPGR-related conditions. Algorithms developed to predict the effect of sequence changes on RNA splicing suggest that this variant may disrupt the consensus splice site. In summary, the available evidence is currently insufficient to determine the role of this variant in disease. Therefore, it has been classified as a Variant of Uncertain Significance.